The following is an entry in ClinVar:

NC_000011.10:g.8038962T>C

Gene: TUB (TUB bipartite transcription factor; plus strand). Cytogenetic location: 11p15.4.
Variant type: single nucleotide variant.
Molecular consequence: missense variant (on NM_003320.5). On other transcripts: intron variant (4).
Genome position: GRCh38 VCF-style: chr11-8038962-T-C. GRCh37 (hg19) VCF-style: chr11-8060509-T-C.
Other names: c.89T>C, p.Met30Thr (NM_003320.5); c.56+19604T>C (NM_001440538.1, NM_001440539.1, NM_001440540.1 and 1 more transcripts); short protein forms M30T.
Identifiers: ClinVar variation 1947893 (VCV001947893.2), dbSNP rs1196546434, ClinGen allele CA379566050.
Genomic context (GRCh38, chr11:8,038,962, plus strand): 5'-TCTGGGTTTCTTTCTTTGCCGAGACAGGGATTTTGTTCCCAGGAGGCACTCCCTGGCCCA[T>C]GGGATCTCAGCATTCAAAGCAGCACAGGAAACCTGGGCCCCTGAAACGGGGCCACCGAAG-3'

ClinVar aggregate classification (germline): Uncertain significance (1 of 4 stars; one submission).

Allele frequency attached by ClinVar (database versions not stated): TOPMed 0.00002; gnomAD 0.00001.
gnomAD v4.1: 11 of 1,613,904 alleles (0.00068%); highest among the groups gnomAD compares: African/African-American, 0.0013%; no homozygotes.

Submission:

Labcorp Genetics (formerly Invitae), Labcorp
Classification: Uncertain significance. Last evaluated: 2025-03-17. Review status: criteria provided, single submitter. Criteria: Invitae Variant Classification Sherloc (09022015). Collection method: clinical testing. Allele origin: germline.
Comment: This sequence change replaces methionine, which is neutral and non-polar, with threonine, which is neutral and polar, at codon 30 of the TUB protein (p.Met30Thr). The frequency data for this variant in the population databases is considered unreliable, as metrics indicate poor data quality at this position in the gnomAD database. This variant has not been reported in the literature in individuals affected with TUB-related conditions. ClinVar contains an entry for this variant (Variation ID: 1947893). An algorithm developed to predict the effect of missense changes on protein structure and function (PolyPhen-2) suggests that this variant is likely to be tolerated. In summary, the available evidence is currently insufficient to determine the role of this variant in disease. Therefore, it has been classified as a Variant of Uncertain Significance.